The following is an entry in ClinVar:

ClinVar aggregate classification (germline): Pathogenic (1 of 4 stars; one submission).

Conditions:
Alagille syndrome due to a JAG1 point mutation. Also called: HEPATIC DUCTULAR HYPOPLASIA, SYNDROMATIC; JAG1-Related Alagille Syndrome; Alagille Syndrome 1. Identifiers: Orphanet 261619, Orphanet 52, MedGen C1956125, MONDO:0016862, OMIM 118450.

Submission:

Labcorp Genetics (formerly Invitae), Labcorp
Classification: Pathogenic for Alagille syndrome due to a JAG1 point mutation. Last evaluated: 2021-05-31. Review status: criteria provided, single submitter. Criteria: Invitae Variant Classification Sherloc (09022015). Collection method: clinical testing. Allele origin: germline.
Comment: This sequence change creates a premature translational stop signal (p.Lys1034*) in the JAG1 gene. It is expected to result in an absent or disrupted protein product. Loss-of-function variants in JAG1 are known to be pathogenic (PMID: 11180599). This variant is not present in population databases (ExAC no frequency). This variant has not been reported in the literature in individuals with JAG1-related conditions. For these reasons, this variant has been classified as Pathogenic.

Literature cited by the submitters: PubMed 11180599.

NM_000214.3(JAG1):c.3100A>T (p.Lys1034Ter)

Gene: JAG1 (jagged canonical Notch ligand 1; minus strand). Cytogenetic location: 20p12.2.
Variant type: single nucleotide variant.
Coding change: c.3100A>T on transcript NM_000214.3 (MANE Select); coding-DNA position 3100, A replaced by T.
Protein change: p.Lys1034Ter; replaces lysine 1034 with a stop codon.
Molecular consequence: nonsense.
Genome position (GRCh38, 1-based): chr20:10,640,882, T>A on the plus strand (A>T on the coding strand, the complement: JAG1 is on the minus strand). VCF-style: chr20-10640882-T-A. GRCh37 (hg19) VCF-style: chr20-10621530-T-A.
Other names: short protein forms K1034*.
Identifiers: ClinVar variation 1398578 (VCV001398578.6), dbSNP rs2122595154, ClinGen allele CA408244177.